The following is an entry in ClinVar:

ClinVar aggregate classification (germline): Uncertain significance (0 of 4 stars; one submission).

Conditions:
PDX1-related disorder. Also called: PDX1-related condition; PDX1-related disorders.

Allele frequency attached by ClinVar (database versions not stated): gnomAD exomes 0.00004; gnomAD 0.00008.

Submission:

PreventionGenetics, part of Exact Sciences
Classification: Uncertain significance for PDX1-related condition. Last evaluated: 2023-12-07. Review status: no assertion criteria provided. Collection method: clinical testing. Allele origin: germline.
Comment: The PDX1 c.-35_-22del14 variant is located in the 5' untranslated region. To our knowledge, this variant has not been reported in the literature. This variant is reported in 0.044% of alleles in individuals of Latino descent in gnomAD. At this time, the clinical significance of this variant is uncertain due to the absence of conclusive functional and genetic evidence.

NM_000209.4(PDX1):c.-35_-22del

Gene: PDX1 (pancreatic and duodenal homeobox 1; plus strand). Cytogenetic location: 13q12.2.
Variant type: Deletion.
Coding change: c.-35_-22del on transcript NM_000209.4 (MANE Select); 35 bases upstream of the start codon through 22 bases upstream of the start codon, 14 bases deleted (TCCCGGCTCCCGGT).
Molecular consequence: 5 prime UTR variant.
Genome position (GRCh38, 1-based): chr13:27,920,104-27,920,117, TCCCGGCTCCCGGT deleted. VCF-style (leftmost placement, unchanged base first): chr13-27920103-CTCCCGGCTCCCGGT-C. GRCh37 (hg19) VCF-style: chr13-28494240-CTCCCGGCTCCCGGT-C.
Identifiers: ClinVar variation 3030289 (VCV003030289.2), dbSNP rs1299591379, ClinGen allele CA608987646.